The following is an entry in ClinVar:

NM_006648.4(WNK2):c.3260C>T (p.Thr1087Ile)

Gene: WNK2 (WNK lysine deficient protein kinase 2; plus strand). Cytogenetic location: 9q22.31.
Variant type: single nucleotide variant.
Coding change: c.3260C>T on transcript NM_006648.4 (MANE Select); coding-DNA position 3260, C replaced by T.
Protein change: p.Thr1087Ile; replaces threonine 1087 with isoleucine.
Molecular consequence: missense variant.
Genome position (GRCh38, 1-based): chr9:93,262,007, C>T. VCF-style: chr9-93262007-C-T. GRCh37 (hg19) VCF-style: chr9-96024289-C-T.
Other names: c.3260C>T, p.Thr1087Ile (NM_001282394.3); short protein forms T1087I.
Identifiers: ClinVar variation 3981892 (VCV003981892.1).

ClinVar aggregate classification (germline): Uncertain significance (1 of 4 stars; one submission).

gnomAD v4.1: 5 of 1,611,792 alleles (0.00031%); highest among the groups gnomAD compares: South Asian, 0.0011%; no homozygotes.

Submission:

Ambry Genetics
Classification: Uncertain significance. Last evaluated: 2025-04-17. Review status: criteria provided, single submitter. Criteria: Ambry Variant Classification Scheme 2023. Collection method: clinical testing. Allele origin: germline.
Comment: The p.T1087I variant (also known as c.3260C>T), located in coding exon 12 of the WNK2 gene, results from a C to T substitution at nucleotide position 3260. The threonine at codon 1087 is replaced by isoleucine, an amino acid with similar properties. This amino acid position is conserved. In addition, this alteration is predicted to be tolerated by in silico analysis. Based on the available evidence, the clinical significance of this variant remains unclear.